The following is an entry in ClinVar:

ClinVar aggregate classification (germline): Uncertain significance. Review status: criteria provided, multiple submitters, no conflicts (2 of 4 stars). 3 submissions from 3 submitters: Uncertain significance (3). Last evaluated 2024-11-21.

Conditions:
Arrhythmogenic right ventricular dysplasia 5. Also called: Arrhythmogenic Right Ventricular Dysplasia/Cardiomyopathy 5; ARRHYTHMOGENIC RIGHT VENTRICULAR DYSPLASIA, FAMILIAL, 5. Identifiers: MedGen C1858379, MONDO:0011459, OMIM 604400.

Allele frequency attached by ClinVar (database versions not stated): gnomAD exomes below 0.00001; ExAC 0.00001; gnomAD 0.00001; TOPMed 0.00002.

Submissions (3):

Labcorp Genetics (formerly Invitae), Labcorp
Classification: Uncertain significance for Arrhythmogenic right ventricular dysplasia 5. Last evaluated: 2024-11-21. Review status: criteria provided, single submitter. Criteria: Invitae Variant Classification Sherloc (09022015). Collection method: clinical testing. Allele origin: germline.
Comment: This sequence change replaces arginine, which is basic and polar, with glycine, which is neutral and non-polar, at codon 299 of the TMEM43 protein (p.Arg299Gly). This variant is present in population databases (rs757038162, gnomAD 0.007%). This variant has not been reported in the literature in individuals affected with TMEM43-related conditions. ClinVar contains an entry for this variant (Variation ID: 1698950). Invitae Evidence Modeling of protein sequence and biophysical properties (such as structural, functional, and spatial information, amino acid conservation, physicochemical variation, residue mobility, and thermodynamic stability) indicates that this missense variant is not expected to disrupt TMEM43 protein function with a negative predictive value of 80%. In summary, the available evidence is currently insufficient to determine the role of this variant in disease. Therefore, it has been classified as a Variant of Uncertain Significance.

All of Us Research Program, National Institutes of Health
Classification: Uncertain significance for Arrhythmogenic right ventricular dysplasia 5. Last evaluated: 2024-07-29. Review status: criteria provided, single submitter. Criteria: ACMG Guidelines, 2015. Collection method: clinical testing. Allele origin: germline. Inheritance: Autosomal dominant inheritance. Observed: 1 variant allele, 1 heterozygote.
Comment: This missense variant replaces arginine with glycine at codon 299 of the TMEM43 protein. Computational prediction suggests that this variant may not impact protein structure and function (internally defined REVEL score threshold <= 0.5, PMID: 27666373). To our knowledge, functional studies have not been reported for this variant. This variant has not been reported in individuals affected with TMEM43-related disorders in the literature. This variant has been identified in 1/251430 chromosomes in the general population by the Genome Aggregation Database (gnomAD). The available evidence is insufficient to determine the role of this variant in disease conclusively. Therefore, this variant is classified as a Variant of Uncertain Significance.

This study involves interpretation of variants in research participants for the purpose of population health screening. Participant phenotype was not available at the time of variant classification. Additional details can be found in publication PMID: 35346344, PMCID: PMC8962531

Victorian Clinical Genetics Services, Murdoch Childrens Research Institute
Classification: Uncertain significance for Arrhythmogenic right ventricular dysplasia 5. Last evaluated: 2022-02-02. Review status: criteria provided, single submitter. Criteria: ACMG Guidelines, 2015. Collection method: clinical testing. Allele origin: germline. Inheritance: Autosomal dominant inheritance. Affected: yes.
Comment: Based on the classification scheme VCGS_Germline_v1.3.4, this variant is classified as VUS-3C. Following criteria are met: 0105 - The mechanism of disease for this gene is not clearly established. Loss-of-function is a suspected mechanism (PMID: 25343256). (I) 0107 - This gene is associated with autosomal dominant disease. (I) 0200 - Variant is predicted to result in a missense amino acid change from arginine to glycine. (I) 0251 - This variant is heterozygous. (I) 0302 - Variant is present in gnomAD (v3) <0.001 for a dominant condition (2 heterozygotes, 0 homozygotes). (SP) 0309 - An alternative amino acid change at the same position has been observed in gnomAD (v2) (127 heterozygotes, 0 homozygotes). (I) 0503 - Missense variant consistently predicted to be tolerated by multiple in silico tools or not conserved in placental mammals with a minor amino acid change. (SB) 0600 - Variant is located in the annotated Transmembrane protein 43 domain (NCBI). (I) 0709 - Another missense variant comparable to the one identified in this case has strong previous evidence for being benign. An alternative change to a threonine has been reported as likely benign or benign in multiple individuals in ClinVar, it has also been reported in cohort studies and found in a control population (PMID: 21391237, 23812740, 26840987). (SB) 0807 - This variant has no previous evidence of pathogenicity. (I) 0905 - No published segregation evidence has been identified for this variant. (I) 1007 - No published functional evidence has been identified for this variant. (I) 1208 - Inheritance information for this variant is not currently available in this individual. (I) Legend: (SP) - Supporting pathogenic, (I) - Information, (SB) - Supporting benign

Literature cited by the submitters: PubMed 21391237 (cited by Victorian Clinical Genetics Services, Murdoch Childrens Research Institute); PubMed 23812740 (cited by Victorian Clinical Genetics Services, Murdoch Childrens Research Institute); PubMed 25343256 (cited by Victorian Clinical Genetics Services, Murdoch Childrens Research Institute); PubMed 26840987 (cited by Victorian Clinical Genetics Services, Murdoch Childrens Research Institute).

NM_024334.3(TMEM43):c.895A>G (p.Arg299Gly)

Gene: TMEM43 (transmembrane protein 43; plus strand). Cytogenetic location: 3p25.1.
Variant type: single nucleotide variant.
Coding change: c.895A>G on transcript NM_024334.3 (MANE Select); coding-DNA position 895, A replaced by G.
Protein change: p.Arg299Gly; replaces arginine 299 with glycine.
Molecular consequence: missense variant.
Genome position (GRCh38, 1-based): chr3:14,139,192, A>G. VCF-style: chr3-14139192-A-G. GRCh37 (hg19) VCF-style: chr3-14180692-A-G.
Other names: short protein forms R299G.
Identifiers: ClinVar variation 1698950 (VCV001698950.9), dbSNP rs757038162, ClinGen allele CA056168.